The following is an entry in ClinVar:

ClinVar aggregate classification (germline): Uncertain significance (1 of 4 stars; one submission).

Submission:

Ambry Genetics
Classification: Uncertain significance. Last evaluated: 2026-01-21. Review status: criteria provided, single submitter. Criteria: Ambry Variant Classification Scheme 2023. Collection method: clinical testing. Allele origin: germline.
Comment: The c.571G>A (p.V191I) alteration is located in exon 5 (coding exon 5) of the GRIK4 gene. This alteration results from a G to A substitution at nucleotide position 571, causing the valine (V) at amino acid position 191 to be replaced by an isoleucine (I). Based on data from gnomAD, the A allele has an overall frequency of 0.001% (4/282756) total alleles studied. The highest observed frequency was 0.01% (1/10366) of Ashkenazi Jewish alleles. Based on insufficient or conflicting evidence, the clinical significance of this alteration remains unclear.

NM_014619.5(GRIK4):c.571G>A (p.Val191Ile)

Gene: GRIK4 (glutamate ionotropic receptor kainate type subunit 4; plus strand). Cytogenetic location: 11q23.3.
Variant type: single nucleotide variant.
Coding change: c.571G>A on transcript NM_014619.5 (MANE Select); coding-DNA position 571, G replaced by A.
Protein change: p.Val191Ile; replaces valine 191 with isoleucine.
Molecular consequence: missense variant.
Genome position (GRCh38, 1-based): chr11:120,831,911, G>A. VCF-style: chr11-120831911-G-A. GRCh37 (hg19) VCF-style: chr11-120702620-G-A.
Other names: c.571G>A, p.Val191Ile (NM_001440411.1, NM_001440412.1, NM_001440413.1 and 16 more transcripts); c.406G>A, p.Val136Ile (NM_001440410.1); short protein forms V136I, V191I.
Identifiers: ClinVar variation 4839514 (VCV004839514.1).